The following is an entry in ClinVar:

ClinVar aggregate classification (germline): Conflicting classifications of pathogenicity. Review status: criteria provided, conflicting classifications (1 of 4 stars). 2 submissions from 2 submitters: Uncertain significance (1); Likely benign (1). Last evaluated 2024-10-24.

Conditions:
MHC class I deficiency. Identifiers: Orphanet 34592, MedGen C6024714, MONDO:0011476.

Allele frequency attached by ClinVar (database versions not stated): gnomAD exomes 0.00001 and 0.00003; ExAC 0.00003; gnomAD 0.00010 and 0.00011; ESP Exome Variant Server 0.00012; TOPMed 0.00014.
gnomAD v4.1: 23 of 1,612,186 alleles (0.0014%); highest among the groups gnomAD compares: African/African-American, 0.027%; 1 homozygote.

Submissions (2):

Labcorp Genetics (formerly Invitae), Labcorp
Classification: Uncertain significance for MHC class I deficiency 1. Last evaluated: 2024-10-24. Review status: criteria provided, single submitter. Criteria: Invitae Variant Classification Sherloc (09022015). Collection method: clinical testing. Allele origin: germline.
Comment: This sequence change falls in intron 10 of the TAP1 gene. It does not directly change the encoded amino acid sequence of the TAP1 protein. It affects a nucleotide within the consensus splice site. This variant is present in population databases (rs371984928, gnomAD 0.03%). This variant has not been reported in the literature in individuals affected with TAP1-related conditions. ClinVar contains an entry for this variant (Variation ID: 640506). Variants that disrupt the consensus splice site are a relatively common cause of aberrant splicing (PMID: 17576681, 9536098). Algorithms developed to predict the effect of sequence changes on RNA splicing suggest that this variant is not likely to affect RNA splicing. In summary, the available evidence is currently insufficient to determine the role of this variant in disease. Therefore, it has been classified as a Variant of Uncertain Significance.

Blueprint Genetics
Classification: Likely benign. Last evaluated: 2020-10-30. Review status: criteria provided, single submitter. Criteria: ACMG Guidelines, 2015. Collection method: clinical testing. Allele origin: germline.

Literature cited by the submitters: PubMed 17576681 (cited by Labcorp Genetics (formerly Invitae), Labcorp); PubMed 9536098 (cited by Labcorp Genetics (formerly Invitae), Labcorp).

NM_000593.6(TAP1):c.2040+6G>A

Gene: TAP1 (transporter 1, ATP binding cassette subfamily B member; minus strand). Cytogenetic location: 6p21.32.
Variant type: single nucleotide variant.
Coding change: c.2040+6G>A on transcript NM_000593.6 (MANE Select); 6 bases into the intron after coding-DNA position 2040, G replaced by A.
Molecular consequence: intron variant.
Genome position (GRCh38, 1-based): chr6:32,847,062, C>T on the plus strand (G>A on the coding strand, the complement: TAP1 is on the minus strand). VCF-style: chr6-32847062-C-T. GRCh37 (hg19) VCF-style: chr6-32814839-C-T.
Other names: c.1437+6G>A (NM_001292022.2).
Identifiers: ClinVar variation 640506 (VCV000640506.7), dbSNP rs371984928, ClinGen allele CA3746618.